The following is an entry in ClinVar:

ClinVar aggregate classification (germline): Uncertain significance (0 of 4 stars; one submission).

Conditions:
PKD1L1-related disorder. Also called: PKD1L1-related condition.

Allele frequency attached by ClinVar (database versions not stated): gnomAD 0.00001; gnomAD exomes 0.00001; TOPMed 0.00001.
gnomAD v4.1: 16 of 1,613,092 alleles (0.00099%); highest among the groups gnomAD compares: Admixed American, 0.012%; no homozygotes.

Submission:

PreventionGenetics, part of Exact Sciences
Classification: Uncertain significance for PKD1L1-related condition. Last evaluated: 2024-04-04. Review status: no assertion criteria provided. Collection method: clinical testing. Allele origin: germline.
Comment: The PKD1L1 c.8342T>C variant is predicted to result in the amino acid substitution p.Met2781Thr. To our knowledge, this variant has not been reported in the literature. This variant is reported in 0.0029% of alleles in individuals of Latino descent in gnomAD. At this time, the clinical significance of this variant is uncertain due to the absence of conclusive functional and genetic evidence.

NM_138295.5(PKD1L1):c.8342T>C (p.Met2781Thr)

Genes: PKD1L1-AS1 (PKD1L1 antisense RNA 1; plus strand), PKD1L1 (polycystin 1 like 1, transient receptor potential channel interacting; minus strand). Cytogenetic location: 7p12.3.
Variant type: single nucleotide variant.
Coding change: c.8342T>C on transcript NM_138295.5 (MANE Select); coding-DNA position 8342, T replaced by C.
Protein change: p.Met2781Thr; replaces methionine 2781 with threonine.
Molecular consequence: missense variant.
Genome position (GRCh38, 1-based): chr7:47,796,002, A>G on the plus strand (T>C on the coding strand, the complement: PKD1L1 is on the minus strand). VCF-style: chr7-47796002-A-G. GRCh37 (hg19) VCF-style: chr7-47835600-A-G.
Other names: short protein forms M2781T.
Identifiers: ClinVar variation 2628881 (VCV002628881.2), dbSNP rs1024764022, ClinGen allele CA158072801.